The following is an entry in ClinVar:

ClinVar aggregate classification (germline): Uncertain significance (1 of 4 stars; one submission).

Submission:

GeneDx
Classification: Uncertain significance. Last evaluated: 2021-06-29. Review status: criteria provided, single submitter. Criteria: GeneDx Variant Classification Process June 2021. Collection method: clinical testing. Allele origin: germline. Affected: yes.
Comment: Not observed at significant frequency in large population cohorts (Lek et al., 2016); In-frame deletion of 1 amino acid in a non-repeat region; In silico analysis supports a deleterious effect on protein structure/function; Has not been previously published as pathogenic or benign to our knowledge; This variant is associated with the following publications: (PMID: 27535533)

NM_016628.5(WAC):c.436TAC[2] (p.Tyr148del)

Gene: WAC (WW domain containing adaptor with coiled-coil; plus strand). Cytogenetic location: 10p12.1.
Variant type: Microsatellite.
Coding change: c.436TAC[2] on transcript NM_016628.5 (MANE Select); two copies in a row of the 3-base unit TAC starting at c.436; the reference has three copies in a row; one copy, 3 bases deleted.
Protein change: p.Tyr148del; deletes tyrosine 148.
Molecular consequence: inframe deletion.
Genome position (GRCh38, 1-based): chr10:28,589,796-28,589,798, TAC deleted; deleting any 3 consecutive bases within chr10:28,589,790-28,589,798 gives the same sequence; the position shown is the placement nearest the transcript's 3' end. VCF-style (leftmost placement, unchanged base first): chr10-28589789-GTAC-G. GRCh37 (hg19) VCF-style: chr10-28878718-GTAC-G.
Other names: c.301TAC[2], p.Tyr103del (NM_100264.3); c.436TAC[2], p.Tyr148del (NM_100486.4); short protein forms Y103del, Y148del.
Identifiers: ClinVar variation 1331116 (VCV001331116.2), dbSNP rs2132669140, ClinGen allele CA2580615446.